The following is an entry in ClinVar:

ClinVar aggregate classification (germline): Uncertain significance. Review status: criteria provided, single submitter (1 of 4 stars). 2 submissions from 2 submitters: Uncertain significance (1). 1 of the submissions does not count toward it. Last evaluated 2022-02-03.

Conditions:
Congenital neutropenia-myelofibrosis-nephromegaly syndrome. Also called: Severe congenital neutropenia 5, autosomal recessive. Identifiers: Orphanet 369852, MedGen C3809031, MONDO:0014118, OMIM 615285.

Submissions (2):

Labcorp Genetics (formerly Invitae), Labcorp
Classification: Uncertain significance for Congenital neutropenia-myelofibrosis-nephromegaly syndrome. Last evaluated: 2022-02-03. Review status: criteria provided, single submitter. Criteria: Invitae Variant Classification Sherloc (09022015). Collection method: clinical testing. Allele origin: germline.
Comment: This sequence change replaces glutamic acid, which is acidic and polar, with glutamine, which is neutral and polar, at codon 396 of the VPS45 protein (p.Glu396Gln). This variant is not present in population databases (gnomAD no frequency). This variant has not been reported in the literature in individuals affected with VPS45-related conditions. ClinVar contains an entry for this variant (Variation ID: 859122). Algorithms developed to predict the effect of missense changes on protein structure and function are either unavailable or do not agree on the potential impact of this missense change (SIFT: "Tolerated"; PolyPhen-2: "Possibly Damaging"; Align-GVGD: "Class C0"). In summary, the available evidence is currently insufficient to determine the role of this variant in disease. Therefore, it has been classified as a Variant of Uncertain Significance.

Natera, Inc.
Classification: Uncertain significance for Autosomal recessive severe congenital neutropenia 5. Last evaluated: 2025-03-05. Review status: no assertion criteria provided. Collection method: clinical testing. Allele origin: germline. Not counted in ClinVar's aggregate classification.

NM_007259.5(VPS45):c.1186G>C (p.Glu396Gln)

Gene: VPS45 (vacuolar protein sorting 45 homolog; plus strand). Cytogenetic location: 1q21.2.
Variant type: single nucleotide variant.
Coding change: c.1186G>C on transcript NM_007259.5 (MANE Select); coding-DNA position 1186, G replaced by C.
Protein change: p.Glu396Gln; replaces glutamic acid 396 with glutamine.
Molecular consequence: missense variant. On other transcripts: non-coding transcript variant (1).
Genome position (GRCh38, 1-based): chr1:150,092,018, G>C. VCF-style: chr1-150092018-G-C. GRCh37 (hg19) VCF-style: chr1-150064112-G-C.
Other names: c.871G>C, p.Glu291Gln (NM_001279353.2); c.1078G>C, p.Glu360Gln (NM_001279354.2); short protein forms E360Q, E396Q, E291Q.
Identifiers: ClinVar variation 859122 (VCV000859122.9), dbSNP rs1656350811, ClinGen allele CA342255356.